The following is an entry in ClinVar:

ClinVar aggregate classification (germline): Pathogenic (1 of 4 stars; one submission).

Submission:

GeneDx
Classification: Pathogenic. Last evaluated: 2026-04-14. Review status: criteria provided, single submitter. Criteria: GeneDx Variant Classification Process June 2021. Collection method: clinical testing. Allele origin: germline.
Comment: Canonical splice site variant predicted to result in an in-frame loss of the adjacent exon in a gene for which loss of function is a known mechanism of disease; Not observed at significant frequency in large population cohorts (gnomAD); Deletions involving coding exons of this gene are a known mechanism of disease (HGMD); Has not been previously published as pathogenic or benign to our knowledge

NM_172107.4(KCNQ2):c.1217+1G>A

Gene: KCNQ2 (potassium voltage-gated channel subfamily Q member 2; minus strand). Cytogenetic location: 20q13.33.
Variant type: single nucleotide variant.
Coding change: c.1217+1G>A on transcript NM_172107.4 (MANE Select); the canonical splice donor site of the intron after coding-DNA position 1217, G replaced by A.
Molecular consequence: splice donor variant.
Genome position (GRCh38, 1-based): chr20:63,428,366, C>T on the plus strand (G>A on the coding strand, the complement: KCNQ2 is on the minus strand). VCF-style: chr20-63428366-C-T. GRCh37 (hg19) VCF-style: chr20-62059719-C-T.
Other names: c.1187+1G>A (NM_001439004.1, NM_004518.6); c.1217+1G>A (NM_172108.5, NM_001439003.1, NM_172106.3 and 1 more transcripts).
Identifiers: ClinVar variation 5036898 (VCV005036898.1).
Genomic context (GRCh38, chr20:63,428,366, plus strand): 5'-AGCTGGGGCCCCCAGGAGGACTGAGACGCCCACCCGCCCCACCTGGAGCTCCCCAGCTGA[C>T]CTGAAAGCGAGTCCAGATTTACTCTTGAGGTTCCTCAGCAGCTCCAGCTGGTTCAGCGGG-3'